The following is an entry in ClinVar:

ClinVar aggregate classification (germline): Uncertain significance (1 of 4 stars; one submission).

Conditions:
Stormorken syndrome (STRMK). Also called: THROMBOCYTOPATHY, ASPLENIA, AND MIOSIS. Identifiers: Orphanet 3204, MedGen C1861451, MONDO:0008497, OMIM 185070.
Combined immunodeficiency due to STIM1 deficiency. Also called: IMMUNODEFICIENCY 10; STIM1 DEFICIENCY. Identifiers: Orphanet 169090, Orphanet 317430, MedGen C2748557, MONDO:0013008, OMIM 612783.
Myopathy with tubular aggregates (TAM). Also called: Tubular Aggregate Myopathy. Identifiers: Orphanet 2593, MedGen C0410207, MONDO:0008051.

Submission:

Labcorp Genetics (formerly Invitae), Labcorp
Classification: Uncertain significance for Myopathy with tubular aggregates; Combined immunodeficiency due to STIM1 deficiency; Stormorken syndrome. Last evaluated: 2025-09-17. Review status: criteria provided, single submitter. Criteria: Invitae Variant Classification Sherloc (09022015). Collection method: clinical testing. Allele origin: germline.
Comment: This sequence change replaces leucine, which is neutral and non-polar, with methionine, which is neutral and non-polar, at codon 321 of the STIM1 protein (p.Leu321Met). This variant is not present in population databases (gnomAD no frequency). This variant has not been reported in the literature in individuals affected with STIM1-related conditions. ClinVar contains an entry for this variant (Variation ID: 3753760). Invitae Evidence Modeling of protein sequence and biophysical properties (such as structural, functional, and spatial information, amino acid conservation, physicochemical variation, residue mobility, and thermodynamic stability) has been performed for this missense variant. However, the output from this modeling did not meet the statistical confidence thresholds required to predict the impact of this variant on STIM1 protein function. In summary, the available evidence is currently insufficient to determine the role of this variant in disease. Therefore, it has been classified as a Variant of Uncertain Significance.

NM_001382567.1(STIM1):c.961T>A (p.Leu321Met)

Gene: STIM1 (stromal interaction molecule 1; plus strand). Cytogenetic location: 11p15.4.
Variant type: single nucleotide variant.
Coding change: c.961T>A on transcript NM_001382567.1 (MANE Select); coding-DNA position 961, T replaced by A.
Protein change: p.Leu321Met; replaces leucine 321 with methionine.
Molecular consequence: missense variant.
Genome position (GRCh38, 1-based): chr11:4,074,671, T>A. VCF-style: chr11-4074671-T-A. GRCh37 (hg19) VCF-style: chr11-4095901-T-A.
Other names: c.961T>A, p.Leu321Met (NM_001277961.3, NM_001277962.2, NM_001382568.1 and 2 more transcripts); c.739T>A, p.Leu247Met (NM_001382566.1, NM_001382573.1, NM_001382574.1 and 5 more transcripts); c.826T>A, p.Leu276Met (NM_001382569.1); c.733T>A, p.Leu245Met (NM_001382570.1); c.481T>A, p.Leu161Met (NM_001382571.1); c.472T>A, p.Leu158Met (NM_001382580.1, NM_001382581.1); short protein forms L158M, L161M, L245M, L247M, L276M, L321M.
Identifiers: ClinVar variation 3753760 (VCV003753760.2).